The following is an entry in ClinVar:

ClinVar aggregate classification (germline): Uncertain significance (0 of 4 stars; one submission).

Conditions:
MAGED2-related disorder. Also called: MAGED2-related condition.

Submission:

PreventionGenetics, part of Exact Sciences
Classification: Uncertain significance for MAGED2-related condition. Last evaluated: 2024-07-18. Review status: no assertion criteria provided. Collection method: clinical testing. Allele origin: germline.
Comment: The MAGED2 c.395C>T variant is predicted to result in the amino acid substitution p.Thr132Ile. To our knowledge, this variant has not been reported in the literature. This variant is reported in 0.0013% of alleles in individuals of European (Non-Finnish) descent in gnomAD. At this time, the clinical significance of this variant is uncertain due to the absence of conclusive functional and genetic evidence.

NM_177433.3(MAGED2):c.395C>T (p.Thr132Ile)

Gene: MAGED2 (MAGE family member D2; plus strand). Cytogenetic location: Xp11.21.
Variant type: single nucleotide variant.
Coding change: c.395C>T on transcript NM_177433.3 (MANE Select); coding-DNA position 395, C replaced by T.
Protein change: p.Thr132Ile; replaces threonine 132 with isoleucine.
Molecular consequence: missense variant.
Genome position (GRCh38, 1-based): chrX:54,810,071, C>T. VCF-style: chrX-54810071-C-T. GRCh37 (hg19) VCF-style: chrX-54836504-C-T.
Other names: c.395C>T, p.Thr132Ile (NM_014599.6, NM_201222.3); short protein forms T132I.
Identifiers: ClinVar variation 3351199 (VCV003351199.1).